The following is an entry in ClinVar:

NM_001042492.3(NF1):c.6516del (p.Ala2173fs)

Gene: NF1 (neurofibromin 1; plus strand). Cytogenetic location: 17q11.2.
Variant type: Deletion.
Coding change: c.6516del on transcript NM_001042492.3 (MANE Select); coding-DNA position 6516, one base deleted (A; older notation c.6516delA).
Protein change: p.Ala2173fs; shifts the reading frame from alanine 2173.
Molecular consequence: frameshift variant.
Genome position (GRCh38, 1-based): chr17:31,337,456, A deleted. VCF-style (leftmost placement, unchanged base first): chr17-31337455-CA-C. GRCh37 (hg19) VCF-style: chr17-29664473-CA-C.
Other names: c.6453delA, p.Ala2152Leufs (NM_000267.4); short protein forms A2152fs, A2173fs.
Identifiers: ClinVar variation 1710012 (VCV001710012.2), dbSNP rs2508753466, ClinGen allele CA2580093384.

ClinVar aggregate classification (germline): Pathogenic (1 of 4 stars; one submission).

Conditions:
Neurofibromatosis, type 1 (NF1). Also called: Peripheral type neurofibromatosis; VON RECKLINGHAUSEN DISEASE; NEUROFIBROMATOSIS, TYPE I, SOMATIC; Neurofibromatosis, type I. Identifiers: Orphanet 636, MedGen C0027831, MONDO:0018975, OMIM 162200. Disease mechanism: loss of function.

Submission:

MGZ Medical Genetics Center
Classification: Pathogenic for Neurofibromatosis, type 1. Last evaluated: 2021-11-05. Review status: criteria provided, single submitter. Criteria: ACMG Guidelines, 2015. Collection method: clinical testing. Allele origin: germline. Affected: yes. Observed: 1 variant allele.
Comment: ACMG criteria applied: PVS1, PM2_SUP, PP4